The following is an entry in ClinVar:

ClinVar aggregate classification (germline): Uncertain significance (1 of 4 stars; one submission).

Conditions:
Bernard-Soulier syndrome, type A2, autosomal dominant (BSSA2). Also called: Bernard-Soulier syndrome, type A2 (dominant). Identifiers: Orphanet 274, MedGen C3277076, MONDO:0007930, OMIM 153670.

gnomAD v4.1: 12 of 1,613,848 alleles (0.00074%); highest among the groups gnomAD compares: East Asian, 0.025%; no homozygotes.

Submission:

ISTH-SSC Genomics in Thrombosis and Hemostasis, KU Leuven, Center for Molecular and Vascular Biology
Classification: Uncertain significance for Bernard-Soulier syndrome, type A2, autosomal dominant. Review status: criteria provided, single submitter. Criteria: ACMG Guidelines, 2015. Collection method: clinical testing. Allele origin: germline. Affected: yes. Observed: 1 heterozygote.
Comment: Submitted to GoldVariant by Jose María Bastida and José Rivera; Grupo Español de Alteraciones Plaquetarias Congénitas (GEAPC)

NM_000173.7(GP1BA):c.334G>C (p.Gly112Arg)

Gene: GP1BA (glycoprotein Ib platelet subunit alpha; plus strand). Cytogenetic location: 17p13.2.
Variant type: single nucleotide variant.
Coding change: c.334G>C on transcript NM_000173.7 (MANE Select); coding-DNA position 334, G replaced by C.
Protein change: p.Gly112Arg; replaces glycine 112 with arginine.
Molecular consequence: missense variant.
Genome position (GRCh38, 1-based): chr17:4,932,938, G>C. VCF-style: chr17-4932938-G-C. GRCh37 (hg19) VCF-style: chr17-4836233-G-C.
Other names: short protein forms G112R.
Identifiers: ClinVar variation 1703856 (VCV001703856.2), dbSNP rs373756376, ClinGen allele CA8314745.
Genomic context (GRCh38, chr17:4,932,938, plus strand): 5'-CTGCCAGTGCTGGGGACCCTGGATCTATCCCACAATCAGCTGCAAAGCCTGCCCTTGCTA[G>C]GGCAGACACTGCCTGCTCTCACCGTCCTGGACGTCTCCTTCAACCGGCTGACCTCGCTGC-3'
Protein context (NP_000164.5, residues 102-122): HNQLQSLPLL[Gly112Arg]QTLPALTVLD